The following is an entry in ClinVar:

NM_004168.4(SDHA):c.1931T>G (p.Val644Gly)

Gene: SDHA (succinate dehydrogenase complex flavoprotein subunit A; plus strand). Cytogenetic location: 5p15.33.
Variant type: single nucleotide variant.
Coding change: c.1931T>G on transcript NM_004168.4 (MANE Select); coding-DNA position 1931, T replaced by G.
Protein change: p.Val644Gly; replaces valine 644 with glycine.
Molecular consequence: missense variant.
Genome position (GRCh38, 1-based): chr5:256,356, T>G. VCF-style: chr5-256356-T-G. GRCh37 (hg19) VCF-style: chr5-256471-T-G.
Other names: c.1787T>G, p.Val596Gly (NM_001294332.2); c.1688T>G, p.Val563Gly (NM_001330758.2); short protein forms V644G, V563G, V596G.
Identifiers: ClinVar variation 1960552 (VCV001960552.5), dbSNP rs2477489036, ClinGen allele CA359002723.

ClinVar aggregate classification (germline): Uncertain significance (1 of 4 stars; one submission).

Conditions:
Mitochondrial complex II deficiency, nuclear type 1. Also called: SUCCINATE CoQ REDUCTASE DEFICIENCY. Identifiers: Orphanet 3208, MedGen C5700310, MONDO:0100294, OMIM 252011.
Pheochromocytoma/paraganglioma syndrome 5. Also called: Paragangliomas 5; SDHA-Related Hereditary Paraganglioma-Pheochromocytoma Syndrome. Identifiers: Orphanet 29072, MedGen C3279992, MONDO:0013602, OMIM 614165.

Submission:

Labcorp Genetics (formerly Invitae), Labcorp
Classification: Uncertain significance for Pheochromocytoma/paraganglioma syndrome 5; Mitochondrial complex II deficiency, nuclear type 1. Last evaluated: 2022-05-13. Review status: criteria provided, single submitter. Criteria: Invitae Variant Classification Sherloc (09022015). Collection method: clinical testing. Allele origin: germline.
Comment: In summary, the available evidence is currently insufficient to determine the role of this variant in disease. Therefore, it has been classified as a Variant of Uncertain Significance. Algorithms developed to predict the effect of missense changes on protein structure and function (SIFT, PolyPhen-2, Align-GVGD) all suggest that this variant is likely to be disruptive. This variant has not been reported in the literature in individuals affected with SDHA-related conditions. This variant is not present in population databases (gnomAD no frequency). This sequence change replaces valine, which is neutral and non-polar, with glycine, which is neutral and non-polar, at codon 644 of the SDHA protein (p.Val644Gly).